The following is an entry in ClinVar:

NM_001378615.1(CC2D2A):c.4179+1del

Genes: CC2D2A (coiled-coil and C2 domain containing 2A; plus strand), FBXL5 (F-box and leucine rich repeat protein 5; minus strand). Cytogenetic location: 4p15.32.
Variant type: Deletion.
Coding change: c.4179+1del on transcript NM_001378615.1 (MANE Select); the canonical splice donor site of the intron after coding-DNA position 4179, one base deleted (G; older notation c.4179+1delG).
Molecular consequence: splice donor variant.
Genome position (GRCh38, 1-based): chr4:15,587,930, G deleted; the last of 2 consecutive G bases (chr4:15,587,929-15,587,930); deleting either gives the same sequence. VCF-style (leftmost placement, unchanged base first): chr4-15587928-AG-A. GRCh37 (hg19) VCF-style: chr4-15589551-AG-A.
Other names: NC_000004.11:g.15589553del; c.4179+1del (NM_001080522.2); c.4032+1del (NM_001378617.1); c.4179+1delG (NM_001080522.2); c.4179delG (NM_001080522.2).
Identifiers: ClinVar variation 56312 (VCV000056312.36), dbSNP rs386833760, ClinGen allele CA215089.

ClinVar aggregate classification (germline): Pathogenic. Review status: criteria provided, multiple submitters, no conflicts (2 of 4 stars). 16 submissions from 14 submitters: Pathogenic (13). 3 of the submissions do not count toward it. Last evaluated 2026-05-21.

Conditions:
Anencephaly. Also called: Anencephalus. Identifiers: MedGen C0002902, MONDO:0000819, HP:0002323.
Polydactyly. Also called: polydactylism. Identifiers: MedGen C0152427, MONDO:0021003, OMIM 603596, HP:0010442.
Renal cyst. Also called: Renal cysts; cystic kidneys; Cystic kidney disease. Identifiers: MedGen C3887499, MONDO:0002473, HP:0000107.
Microcephaly. Also called: Microcephaly (disease). Identifiers: MedGen C4551563, MONDO:0001149, HP:0000252.
Narrow chest. Identifiers: MedGen C0426790, HP:0000774.
Encephalocele. Also called: Bifid cranium; Cranial meningoencephalocele; Craniocele. Identifiers: MedGen C4551722, HP:0002084.
Polycystic kidney disease. Also called: Kidney, Polycystic; Polycystic kidney dysplasia. Identifiers: MedGen C0022680, MeSH D007690, MONDO:0020642, HP:0000113.
Oligohydramnios. Also called: Oligohydramnios (disease). Identifiers: MedGen C0079924, MONDO:0005881, HP:0001562.
Clubfoot. Also called: Talipes equinovarus; CLUBFOOT, CONGENITAL, WITH OR WITHOUT DEFICIENCY OF LONG BONES AND/OR MIRROR-IMAGE POLYDACTYLY; Club foot; Clubfeet; congenital talipes equinovarus. Identifiers: Orphanet 199315, MedGen C0009081, MONDO:0007342, OMIM 119800, HP:0001762.
Polydactyly, postaxial, type A1. Identifiers: MedGen C4282400, MONDO:0008266, OMIM 174200.
COACH syndrome 2. Identifiers: MedGen C5436837, MONDO:0030859, OMIM 619111.
Retinitis pigmentosa 93. Identifiers: MedGen C5676970, MONDO:0030797, OMIM 619845.
Meckel syndrome, type 6. Identifiers: Orphanet 564, MedGen C2676790, MONDO:0012848, OMIM 612284.
Joubert syndrome 9 (JBTS9). Identifiers: Orphanet 2318, MedGen C2676788, MONDO:0012849, OMIM 612285.
Inborn genetic diseases. Identifiers: MedGen C0950123, MeSH D030342.
CC2D2A-related disorder. Also called: CC2D2A-related disorders; CC2D2A-related condition. Identifiers: MedGen CN239313.
Meckel-Gruber syndrome. Also called: Dysencephalia splachnocystica; DYSENCEPHALIA SPLANCHNOCYSTICA; GRUBER SYNDROME. Identifiers: Orphanet 564, MedGen C0265215, MONDO:0018921.
Joubert syndrome. Also called: Familial aplasia of the vermis; JOUBERT-BOLTSHAUSER SYNDROME. Identifiers: Orphanet 475, MedGen C5979921, MONDO:0018772.

Submissions (17):

Ambry Genetics
Classification: Pathogenic for Inborn genetic diseases. Last evaluated: 2026-05-21. Review status: criteria provided, single submitter. Criteria: Ambry Variant Classification Scheme 2023. Collection method: clinical testing. Allele origin: germline.
Comment: The c.4179+1delG intronic variant results from a deletion of one nucleotide at position c.4179+1 one nucleotide after exon 33 (coding exon 31) of the CC2D2A gene. Variants that disrupt the canonical splice site are expected to result in aberrant splicing. A resulting transcript is predicted to be in-frame and is not expected to trigger nonsense-mediated mRNAdecay, although direct evidence is unavailable. However, the region predicted to be impacted is critical for protein function (Ambry internal data). Based on data from gnomAD, the allele has an overall frequency of 0.01% (23/247170) total alleles studied. The highest observed frequency was 0.09% (9/9980) of Ashkenazi Jewish alleles. This variant has been identified in the homozygous state and/or in conjunction with other CC2D2A variant(s) in individual(s) with features consistent with CC2D2A-related ciliopathy; in at least one instance, the variants were identified in trans (Mougou-Zerelli, 2009; Tallila, 2009; Bachmann-Gagescu, 2015). Based on the available evidence, this alteration is classified as pathogenic.

Labcorp Genetics (formerly Invitae), Labcorp
Classification: Pathogenic for Joubert syndrome; Meckel-Gruber syndrome. Last evaluated: 2026-01-22. Review status: criteria provided, single submitter. Criteria: Invitae Variant Classification Sherloc (09022015). Collection method: clinical testing. Allele origin: germline.
Comment: This sequence change affects a splice site in intron 33 of the CC2D2A gene. It is expected to disrupt RNA splicing. Variants that disrupt the donor or acceptor splice site typically lead to a loss of protein function (PMID: 16199547), and loss-of-function variants in CC2D2A are known to be pathogenic (PMID: 19777577). This variant is present in population databases (rs386833761, gnomAD 0.09%). Disruption of this splice site has been observed in individual(s) with Joubert and/or Meckel-Gruber syndrome (PMID: 19777577, 26092869). In at least one individual the data is consistent with being in trans (on the opposite chromosome) from a pathogenic variant. This variant is also known as c.4179del. ClinVar contains an entry for this variant (Variation ID: 56312). Algorithms developed to predict the effect of sequence changes on RNA splicing suggest that this variant may disrupt the consensus splice site. For these reasons, this variant has been classified as Pathogenic.

Dasa
Classification: Pathogenic. Last evaluated: 2025-06-06. Review status: criteria provided, single submitter. Criteria: DASA Assertion Criteria. Collection method: clinical testing. Allele origin: germline.
Comment: NM_001378615.1(CC2D2A):c.4179+1del affects a canonical splice site and is predicted to disrupt normal RNA splicing, leading to loss of normal protein function. Loss-of-function is an established mechanism of disease for this gene. This variant has been recurrently observed in affected individuals with related phenotype in a genotype context consistent with recessive disease (PMID: 19466712; PMID: 19777577). The variant is present at low frequency in population datasets. Based on the available data, this variant is classified as pathogenic.

3billion
Classification: Pathogenic for Retinitis pigmentosa 93. Last evaluated: 2025-03-28. Review status: criteria provided, single submitter. Criteria: ACMG Guidelines, 2015. Collection method: clinical testing. Allele origin: germline. Affected: yes.
Comment: The variant is observed at an extremely low frequency in the gnomAD v4.1.0 dataset (total allele frequency: 0.008%). Predicted Consequence/Location: Frameshift: predicted to result in a loss or disruption of normal protein function through nonsense-mediated decay (NMD) or protein truncation. Multiple pathogenic variants are reported downstream of the variant. In silico tools predict the variant to alter splicing and produce an abnormal transcript [SpliceAI: 0.83 (spliceogenicity >=0.2, non-spliceogenicity <0.1)]. The variant has been reported at least twice as pathogenic with clinical assertions and evidence for the classification (ClinVar ID: VCV000056312 / PMID: 19466712). Therefore, this variant is classified as Pathogenic according to the recommendation of ACMG/AMP guideline.

Fulgent Genetics
Classification: Pathogenic for Meckel syndrome, type 6; Joubert syndrome 9; COACH syndrome 2; Retinitis pigmentosa 93. Last evaluated: 2024-04-03. Review status: criteria provided, single submitter. Criteria: ACMG Guidelines, 2015. Collection method: clinical testing. Allele origin: germline.

Women's Health and Genetics/Laboratory Corporation of America, LabCorp
Classification: Pathogenic for Meckel syndrome, type 6. Last evaluated: 2024-01-29. Review status: criteria provided, single submitter. Criteria: LabCorp Variant Classification Summary - May 2015. Collection method: clinical testing. Allele origin: germline.
Comment: Variant summary: CC2D2A c.4179+1delG is located in a canonical splice-site and is predicted to affect mRNA splicing resulting in a significantly altered protein due to either exon skipping, shortening, or inclusion of intronic material. Several computational tools predict a significant impact on normal splicing: Three predict the variant abolishes a canonical 5' splicing donor site, and two predict the variant creates a cryptic 5' donor site. However, these predictions have yet to be confirmed by functional studies. The variant allele was found at a frequency of 9.3e-05 in 247170 control chromosomes (gnomAD). This frequency is not significantly higher than estimated for a pathogenic variant in CC2D2A causing Meckel Syndrome Type 6 (9.3e-05 vs 0.0011), allowing no conclusion about variant significance. c.4179+1delG has been reported in the literature in individuals affected with Meckel Syndrome or Joubert Syndrome (Mougou-Zerelli_2009, Tallila_2009, Bachmann-Gagescu_2015). These data indicate that the variant is likely to be associated with disease. The following publications have been ascertained in the context of this evaluation (PMID: 19777577, 19466712, 26092869). ClinVar contains an entry for this variant (Variation ID: 56312). Based on the evidence outlined above, the variant was classified as pathogenic.

GeneDx
Classification: Pathogenic. Last evaluated: 2022-04-27. Review status: criteria provided, single submitter. Criteria: GeneDx Variant Classification Process June 2021. Collection method: clinical testing. Allele origin: germline. Affected: yes.
Comment: Canonical splice site variant expected to result in aberrant splicing, although in the absence of functional evidence the actual effect of this sequence change is unknown.; This variant is associated with the following publications: (PMID: 31589614, 33486889, 19777577, 26092869, 19466712)

Genetics Institute, Tel Aviv Sourasky Medical Center
Classification: Pathogenic for Anencephaly; Polydactyly; Renal cyst. Last evaluated: 2021-05-12. Review status: criteria provided, single submitter. Criteria: ACMG Guidelines, 2015. Collection method: clinical testing. Allele origin: inherited. Inheritance: Autosomal recessive inheritance.

Blueprint Genetics
Classification: Pathogenic for CC2D2A-related disorders. Last evaluated: 2020-05-07. Review status: criteria provided, single submitter. Criteria: ACMG Guidelines, 2015. Collection method: clinical testing. Allele origin: germline. Affected: yes. Observed: 3 variant alleles.

Centre for Mendelian Genomics, University Medical Centre Ljubljana
Classification: Pathogenic for Encephalocele; Microcephaly; Narrow chest; Oligohydramnios; Polycystic kidney disease; Postaxial polydactyly; Clubfoot. Last evaluated: 2017-01-01. Review status: criteria provided, single submitter. Criteria: ACMG Guidelines, 2015. Collection method: clinical testing. Allele origin: unknown. Affected: yes.

Eurofins Ntd Llc (ga)
Classification: Pathogenic. Last evaluated: 2016-03-14. Review status: criteria provided, single submitter. Criteria: EGL Classification Definitions 2015. Collection method: clinical testing. Allele origin: germline.

Centre for Mendelian Genomics, University Medical Centre Ljubljana
Classification: Pathogenic for Joubert syndrome 9. Last evaluated: 2016-01-01. Review status: criteria provided, single submitter. Criteria: ACMG Guidelines, 2015. Collection method: clinical testing. Allele origin: unknown. Affected: yes.
Comment: This variant was classified as: Pathogenic. The following ACMG criteria were applied in classifying this variant: PVS1,PS1,PM2,PP4.

UW Hindbrain Malformation Research Program, University of Washington
Classification: Pathogenic for Joubert syndrome 9. Last evaluated: 2015-02-23. Review status: criteria provided, single submitter. Criteria: Bachmann-Gagescu et al. (J Med Genet. 2015). Collection method: research. Allele origin: unknown. Affected: yes.

Genetic Services Laboratory, University of Chicago
Classification: Pathogenic for Meckel syndrome. Last evaluated: 2014-09-22. Review status: no assertion criteria provided. Collection method: clinical testing. Allele origin: germline. Affected: yes. Not counted in ClinVar's aggregate classification.

Dr. Peter K. Rogan Lab, Western University
No classification provided (evidence only). Condition: Nonpapillary renal cell carcinoma. Review status: no classification provided. Collection method: in vitro. Allele origin: not applicable. Functional consequence: skipped exon. Not counted in ClinVar's aggregate classification.

Juha Muilu Group; Institute for Molecular Medicine Finland (FIMM)
Classification: Likely pathogenic for Meckel syndrome, type 6. Review status: no assertion criteria provided. Collection method: not provided. Allele origin: unknown. Not counted in ClinVar's aggregate classification.
Comment: FinDis database variant: This variant was not found or characterized by our laboratory, data were collected from public sources: see reference
ClinVar note: Converted during submission from probable-pathogenic to Likely pathogenic.

Juha Muilu Group; Institute for Molecular Medicine Finland (FIMM)
Classification: Likely pathogenic for Meckel syndrome, type 6. Review status: flagged submission. Collection method: not provided. Allele origin: unknown. Not counted in ClinVar's aggregate classification.
Comment: the same text as in the submission from Juha Muilu Group; Institute for Molecular Medicine Finland (FIMM) above.
ClinVar note: Converted during submission from probable-pathogenic to Likely pathogenic.
ClinVar note: Reason: This record appears to be redundant with a more recent record from the same submitter.
ClinVar note: Notes: SCV000082131 appears to be redundant with SCV000082132.

Literature cited by the submitters: PubMed 19466712 (cited by 4 submitters); PubMed 19777577 (cited by 4 submitters); PubMed 26092869 (cited by 3 submitters); PubMed 16199547 (cited by Labcorp Genetics (formerly Invitae), Labcorp).